The following is an entry in ClinVar:

ClinVar aggregate classification (germline): Uncertain significance (1 of 4 stars; one submission).

Allele frequency attached by ClinVar (database versions not stated): TOPMed below 0.00001.

Submission:

Labcorp Genetics (formerly Invitae), Labcorp
Classification: Uncertain significance. Last evaluated: 2022-04-10. Review status: criteria provided, single submitter. Criteria: Invitae Variant Classification Sherloc (09022015). Collection method: clinical testing. Allele origin: germline.
Comment: This variant has not been reported in the literature in individuals affected with CDH23-related conditions. Algorithms developed to predict the effect of missense changes on protein structure and function are either unavailable or do not agree on the potential impact of this missense change (SIFT: "Deleterious"; PolyPhen-2: "Not Available"; Align-GVGD: "Class C35"). In summary, the available evidence is currently insufficient to determine the role of this variant in disease. Therefore, it has been classified as a Variant of Uncertain Significance. This sequence change replaces proline, which is neutral and non-polar, with threonine, which is neutral and polar, at codon 1416 of the CDH23 protein (p.Pro1416Thr). This variant is not present in population databases (gnomAD no frequency).

NM_022124.6(CDH23):c.4246C>A (p.Pro1416Thr)

Gene: CDH23 (cadherin related 23; plus strand). Cytogenetic location: 10q22.1.
Variant type: single nucleotide variant.
Coding change: c.4246C>A on transcript NM_022124.6 (MANE Select); coding-DNA position 4246, C replaced by A.
Protein change: p.Pro1416Thr; replaces proline 1416 with threonine.
Molecular consequence: missense variant.
Genome position (GRCh38, 1-based): chr10:71,738,534, C>A. VCF-style: chr10-71738534-C-A. GRCh37 (hg19) VCF-style: chr10-73498291-C-A.
Other names: short protein forms P1416T.
Identifiers: ClinVar variation 2121066 (VCV002121066.4), dbSNP rs867852726, ClinGen allele CA377159107.